The following is an entry in ClinVar:

NM_004329.3(BMPR1A):c.1287C>A (p.Asp429Glu)

Gene: BMPR1A (bone morphogenetic protein receptor type 1A; plus strand). Cytogenetic location: 10q23.2.
Variant type: single nucleotide variant.
Coding change: c.1287C>A on transcript NM_004329.3 (MANE Select); coding-DNA position 1287, C replaced by A.
Protein change: p.Asp429Glu; replaces aspartic acid 429 with glutamic acid.
Molecular consequence: missense variant. On other transcripts: non-coding transcript variant (3).
Genome position (GRCh38, 1-based): chr10:86,921,640, C>A. VCF-style: chr10-86921640-C-A. GRCh37 (hg19) VCF-style: chr10-88681397-C-A.
Other names: c.1287C>A, p.Asp429Glu (NM_001406569.1, NM_001406570.1, NM_001406571.1 and 19 more transcripts); c.1281C>A, p.Asp427Glu (NM_001406583.1); c.1203C>A, p.Asp401Glu (NM_001406584.1, NM_001406585.1, NM_001406586.1 and 2 more transcripts); c.945C>A, p.Asp315Glu (NM_001406589.1); c.1362C>A, p.Asp454Glu (NM_001406559.1); c.1335C>A, p.Asp445Glu (NM_001406560.1); short protein forms D315E, D429E, D454E, D401E, D427E, D445E.
Identifiers: ClinVar variation 5033012 (VCV005033012.1).

ClinVar aggregate classification (germline): Uncertain significance (1 of 4 stars; one submission).

Conditions:
Hereditary cancer-predisposing syndrome. Also called: Neoplastic Syndromes, Hereditary; Tumor predisposition; Hereditary neoplastic syndrome; Hereditary Cancer Syndrome. Identifiers: Orphanet 140162, MedGen C0027672, MeSH D009386, MONDO:0015356.

Submission:

Ambry Genetics
Classification: Uncertain significance for Hereditary cancer-predisposing syndrome. Last evaluated: 2026-07-07. Review status: criteria provided, single submitter. Criteria: Ambry Variant Classification Scheme 2023. Collection method: clinical testing. Allele origin: germline.
Comment: The p.D429E variant (also known as c.1287C>A), located in coding exon 9 of the BMPR1A gene, results from a C to A substitution at nucleotide position 1287. The aspartic acid at codon 429 is replaced by glutamic acid, an amino acid with highly similar properties. This amino acid position is conserved. In addition, this alteration is predicted to be deleterious by in silico analysis. Based on the available evidence, the clinical significance of this variant remains unclear.